The following is an entry in ClinVar:

NM_058216.3(RAD51C):c.134A>C (p.Glu45Ala)

Gene: RAD51C (RAD51 paralog C; plus strand). Cytogenetic location: 17q22.
Variant type: single nucleotide variant.
Coding change: c.134A>C on transcript NM_058216.3 (MANE Select); coding-DNA position 134, A replaced by C.
Protein change: p.Glu45Ala; replaces glutamic acid 45 with alanine.
Molecular consequence: missense variant. On other transcripts: non-coding transcript variant (1).
Genome position (GRCh38, 1-based): chr17:58,692,777, A>C. VCF-style: chr17-58692777-A-C. GRCh37 (hg19) VCF-style: chr17-56770138-A-C.
Other names: c.134A>C, p.Glu45Ala (NM_002876.4); short protein forms E45A.
Identifiers: ClinVar variation 492362 (VCV000492362.19), dbSNP rs587781383, ClinGen allele CA400337736.

ClinVar aggregate classification (germline): Conflicting classifications of pathogenicity. Review status: criteria provided, conflicting classifications (1 of 4 stars). 3 submissions from 3 submitters: Uncertain significance (2); Benign (1). Last evaluated 2026-01-01.

Conditions:
Fanconi anemia complementation group O. Also called: RAD51C-Related Fanconi Anemia. Identifiers: Orphanet 84, MedGen C3150653, MONDO:0013248, OMIM 613390.
Hereditary cancer-predisposing syndrome. Also called: Tumor predisposition; Neoplastic Syndromes, Hereditary; Hereditary Cancer Syndrome; Hereditary neoplastic syndrome. Identifiers: Orphanet 140162, MedGen C0027672, MeSH D009386, MONDO:0015356.

gnomAD v4.1: 3 of 1,614,080 alleles (0.00019%); highest among the groups gnomAD compares: Non-Finnish European, 0.00025%; no homozygotes.

Submissions (3):

Labcorp Genetics (formerly Invitae), Labcorp
Classification: Uncertain significance for Fanconi anemia complementation group O. Last evaluated: 2026-01-01. Review status: criteria provided, single submitter. Criteria: Invitae Variant Classification Sherloc (09022015). Collection method: clinical testing. Allele origin: germline.
Comment: This sequence change replaces glutamic acid, which is acidic and polar, with alanine, which is neutral and non-polar, at codon 45 of the RAD51C protein (p.Glu45Ala). This variant is not present in population databases (gnomAD no frequency). This variant has not been reported in the literature in individuals affected with RAD51C-related conditions. ClinVar contains an entry for this variant (Variation ID: 492362). Invitae Evidence Modeling of protein sequence and biophysical properties (such as structural, functional, and spatial information, amino acid conservation, physicochemical variation, residue mobility, and thermodynamic stability) indicates that this missense variant is not expected to disrupt RAD51C protein function with a negative predictive value of 80%. In summary, the available evidence is currently insufficient to determine the role of this variant in disease. Therefore, it has been classified as a Variant of Uncertain Significance.

Ambry Genetics
Classification: Benign for Hereditary cancer-predisposing syndrome. Last evaluated: 2025-10-08. Review status: criteria provided, single submitter. Criteria: Ambry Variant Classification Scheme 2023. Collection method: clinical testing. Allele origin: germline.

Color Diagnostics, LLC DBA Color Health
Classification: Uncertain significance for Hereditary cancer-predisposing syndrome. Last evaluated: 2024-12-23. Review status: criteria provided, single submitter. Criteria: ACMG Guidelines, 2015. Collection method: clinical testing. Allele origin: germline.
Comment: This missense variant replaces glutamic acid with alanine at codon 45 of the RAD51C protein. Computational prediction suggests that this variant may not impact protein structure and function. To our knowledge, functional studies have not been reported for this variant. This variant has not been reported in individuals affected with hereditary cancer in the literature. This variant has not been identified in the general population by the Genome Aggregation Database (gnomAD). The available evidence is insufficient to determine the role of this variant in disease conclusively. Therefore, this variant is classified as a Variant of Uncertain Significance.